The following is an entry in ClinVar:

NM_016203.4(PRKAG2):c.1584+7C>T

Gene: PRKAG2 (protein kinase AMP-activated non-catalytic subunit gamma 2; minus strand). Cytogenetic location: 7q36.1.
Variant type: single nucleotide variant.
Coding change: c.1584+7C>T on transcript NM_016203.4 (MANE Select); 7 bases into the intron after coding-DNA position 1584, C replaced by T.
Molecular consequence: intron variant.
Genome position (GRCh38, 1-based): chr7:151,564,071, G>A on the plus strand (C>T on the coding strand, the complement: PRKAG2 is on the minus strand). VCF-style: chr7-151564071-G-A. GRCh37 (hg19) VCF-style: chr7-151261157-G-A.
Other names: p.?; c.1452+7C>T (NM_001040633.2); c.1209+7C>T (NM_001304527.2); c.1212+7C>T (NM_001363698.2); c.861+7C>T (NM_001304531.2, NM_024429.2).
Identifiers: ClinVar variation 45699 (VCV000045699.72), dbSNP rs111627309, ClinGen allele CA013842.

ClinVar aggregate classification (germline): Conflicting classifications of pathogenicity. Review status: criteria provided, conflicting classifications (1 of 4 stars). 16 submissions from 15 submitters: Uncertain significance (2); Benign (4); Likely benign (5). 5 of the submissions do not count toward it. Last evaluated 2026-05-01.

Conditions:
Cardiomyopathy (CMYO). Also called: Cardiomyopathies. Identifiers: Orphanet 167848, MedGen C0878544, MONDO:0004994, HP:0001638. Inheritance: Various modes of inheritance.
Lethal congenital glycogen storage disease of heart. Also called: GLYCOGEN STORAGE DISEASE OF HEART; PHOSPHORYLASE KINASE DEFICIENCY OF HEART. Identifiers: Orphanet 439854, MedGen C1849813, MONDO:0009867, OMIM 261740.
Hypertrophic cardiomyopathy 6. Identifiers: MedGen C1833236, MONDO:0010946, OMIM 600858.
Wolff-Parkinson-White pattern. Also called: Auriculoventricular accessory pathway syndrome; False bundle branch block syndrome; Anomalous ventricular excitation syndrome; WPW SYNDROME. Identifiers: MedGen C0043202, MONDO:0008685, OMIM 194200, HP:0001716.

Allele frequency attached by ClinVar (database versions not stated): gnomAD 0.00086 and 0.00092; gnomAD exomes 0.00092 and 0.00130; TOPMed 0.00102; 1000 Genomes Project 30x 0.00109; ExAC 0.00124; 1000 Genomes Project 0.00140; ESP Exome Variant Server 0.00146.
gnomAD v4.1: 1,509 of 1,613,902 alleles (0.094%); highest among the groups gnomAD compares: South Asian, 0.24%; 5 homozygotes.

Submissions (16):

CeGaT Center for Human Genetics Tuebingen
Classification: Likely benign. Last evaluated: 2026-05-01. Review status: criteria provided, single submitter. Criteria: CeGaT Center For Human Genetics Tuebingen Variant Classification Criteria Version 2. Collection method: clinical testing. Allele origin: germline. Affected: yes. Observed: 15 variant alleles.
Comment: PRKAG2: BP4, BS1

Labcorp Genetics (formerly Invitae), Labcorp
Classification: Benign for Lethal congenital glycogen storage disease of heart. Last evaluated: 2026-02-03. Review status: criteria provided, single submitter. Criteria: Invitae Variant Classification Sherloc (09022015). Collection method: clinical testing. Allele origin: germline.

ARUP Laboratories, Molecular Genetics and Genomics, ARUP Laboratories
Classification: Benign. Last evaluated: 2025-05-01. Review status: criteria provided, single submitter. Criteria: ARUP Molecular Germline Variant Investigation Process 2024. Collection method: clinical testing. Allele origin: germline.

Mayo Clinic Laboratories, Mayo Clinic
Classification: Likely benign. Last evaluated: 2025-05-01. Review status: criteria provided, single submitter. Criteria: ACMG Guidelines, 2015. Collection method: clinical testing. Allele origin: germline. Observed: 6 variant alleles.

Molecular Diagnostic Laboratory for Inherited Cardiovascular Disease, Montreal Heart Institute
Classification: Benign. Last evaluated: 2025-04-09. Review status: criteria provided, single submitter. Criteria: ACMG Guidelines, 2015. Collection method: clinical testing. Allele origin: germline. Affected: no.
Comment: BS1

Blueprint Genetics
Classification: Likely benign. Last evaluated: 2024-10-29. Review status: criteria provided, single submitter. Criteria: ACMG Guidelines, 2015. Collection method: clinical testing. Allele origin: germline.

Illumina Laboratory Services, Illumina
Classification: Uncertain significance for Hypertrophic cardiomyopathy 6. Last evaluated: 2018-01-13. Review status: criteria provided, single submitter. Criteria: ICSL Variant Classification Criteria 13 December 2019. Collection method: clinical testing. Allele origin: germline.

Illumina Laboratory Services, Illumina
Classification: Uncertain significance for Wolff-Parkinson-White pattern. Last evaluated: 2018-01-13. Review status: criteria provided, single submitter. Criteria: ICSL Variant Classification Criteria 13 December 2019. Collection method: clinical testing. Allele origin: germline.

CHEO Genetics Diagnostic Laboratory, Children's Hospital of Eastern Ontario
Classification: Likely benign for Cardiomyopathy. Last evaluated: 2017-07-17. Review status: criteria provided, single submitter. Criteria: ACMG Guidelines, 2015. Collection method: clinical testing. Allele origin: germline. Study: Canadian Open Genetics Repository.

GeneDx
Classification: Benign. Last evaluated: 2015-03-03. Review status: criteria provided, single submitter. Criteria: GeneDx Variant Classification Process June 2021. Collection method: clinical testing. Allele origin: germline. Affected: yes.

Laboratory for Molecular Medicine, Mass General Brigham Personalized Medicine
Classification: Likely benign. Last evaluated: 2012-03-19. Review status: criteria provided, single submitter. Criteria: LMM Criteria. Collection method: clinical testing. Allele origin: germline. Observed: 15 variant alleles.
Comment: 1584+7C>T in intron 14 of the PRKAG2: This variant is not expected to have clin ical significance because it is not located within the splicing consensus sequen ce. It has been identified in 0.2% (12/7020) of European American chromosomes fr om a broad population by the NHLBI Exome Sequencing Project (dbSNP rs111627309). 1584+7C>T in intron 14 of the PRKAG2 (rs1116 27309; allele frequency = 0.2%, 12/7020) **

Clinical Genetics DNA and cytogenetics Diagnostics Lab, Erasmus MC, Erasmus Medical Center
Classification: Benign. Review status: no assertion criteria provided. Collection method: clinical testing. Allele origin: germline. Affected: yes. Study: VKGL Data-share Consensus. Not counted in ClinVar's aggregate classification.

Clinical Genetics, Academic Medical Center
Classification: Benign. Review status: no assertion criteria provided. Collection method: clinical testing. Allele origin: germline. Affected: yes. Study: VKGL Data-share Consensus. Not counted in ClinVar's aggregate classification.

Diagnostic Laboratory, Department of Genetics, University Medical Center Groningen
Classification: Likely benign. Review status: no assertion criteria provided. Collection method: clinical testing. Allele origin: germline. Affected: yes. Study: VKGL Data-share Consensus. Not counted in ClinVar's aggregate classification.

Genome Diagnostics Laboratory, University Medical Center Utrecht
Classification: Likely benign. Review status: no assertion criteria provided. Collection method: clinical testing. Allele origin: germline. Affected: yes. Study: VKGL Data-share Consensus. Not counted in ClinVar's aggregate classification.

Joint Genome Diagnostic Labs from Nijmegen and Maastricht, Radboudumc and MUMC+
Classification: Benign. Review status: no assertion criteria provided. Collection method: clinical testing. Allele origin: germline. Affected: yes. Study: VKGL Data-share Consensus. Not counted in ClinVar's aggregate classification.